The following is an entry in ClinVar:

NM_183235.3(RAB27A):c.382dup (p.Ile128fs)

Gene: RAB27A (RAB27A, member RAS oncogene family; minus strand). Cytogenetic location: 15q21.3.
Variant type: Duplication.
Coding change: c.382dup on transcript NM_183235.3 (MANE Select); coding-DNA position 382, one base duplicated (A; older notation c.382dupA).
Protein change: p.Ile128fs; shifts the reading frame from isoleucine 128.
Molecular consequence: frameshift variant.
Genome position (GRCh38, 1-based): chr15:55,223,974, T duplicated on the plus strand (A on the coding strand, the reverse complement: RAB27A is on the minus strand). VCF-style (leftmost placement, unchanged base first): chr15-55223973-A-AT. GRCh37 (hg19) VCF-style: chr15-55516171-A-AT.
Other names: c.382dup, p.Ile128fs (NM_001438970.1, NM_001438972.1, NM_001438973.1 and 11 more transcripts); short protein forms I128fs.
Identifiers: ClinVar variation 4702806 (VCV004702806.3).

ClinVar aggregate classification (germline): Pathogenic/Likely pathogenic. Review status: criteria provided, multiple submitters, no conflicts (2 of 4 stars). 2 submissions from 2 submitters: Pathogenic (1); Likely pathogenic (1). Last evaluated 2025-11-11.

Conditions:
Griscelli syndrome type 2 (GS2). Also called: GRISCELLI SYNDROME WITH HEMOPHAGOCYTIC SYNDROME; PAID SYNDROME; PARTIAL ALBINISM AND IMMUNODEFICIENCY SYNDROME. Identifiers: Orphanet 381, Orphanet 79477, MedGen C1868679, MONDO:0011872, OMIM 607624.

Submissions (2):

Labcorp Genetics (formerly Invitae), Labcorp
Classification: Pathogenic for Griscelli syndrome type 2. Last evaluated: 2025-11-11. Review status: criteria provided, single submitter. Criteria: Invitae Variant Classification Sherloc (09022015). Collection method: clinical testing. Allele origin: germline.
Comment: This sequence change creates a premature translational stop signal (p.Ile128Asnfs*9) in the RAB27A gene. It is expected to result in an absent or disrupted protein product. Loss-of-function variants in RAB27A are known to be pathogenic (PMID: 10835631, 23160464). This variant is not present in population databases (gnomAD no frequency). This variant has not been reported in the literature in individuals affected with RAB27A-related conditions. For these reasons, this variant has been classified as Pathogenic.

Dasa
Classification: Likely pathogenic. Last evaluated: 2025-06-19. Review status: criteria provided, single submitter. Criteria: DASA Assertion Criteria. Collection method: clinical testing. Allele origin: germline.
Comment: NM_183235.3(RAB27A):c.382dup (p.Ile128Asnfs*9) is a frameshift variant in RAB27A predicted to alter the reading frame and introduce a premature termination codon and is predicted to result in an absent or altered protein product. Loss of function is an established disease mechanism for RAB27A-associated disorders. Also, this variant is rare in population databases. Based on the currently available evidence, this variant is classified as likely pathogenic.

Literature cited by the submitters: PubMed 10835631 (cited by Labcorp Genetics (formerly Invitae), Labcorp); PubMed 23160464 (cited by Labcorp Genetics (formerly Invitae), Labcorp).